The following is an entry in ClinVar:

NM_000062.3(SERPING1):c.935C>G (p.Pro312Arg)

Gene: SERPING1 (serpin family G member 1; plus strand). Cytogenetic location: 11q12.1.
Variant type: single nucleotide variant.
Coding change: c.935C>G on transcript NM_000062.3 (MANE Select); coding-DNA position 935, C replaced by G.
Protein change: p.Pro312Arg; replaces proline 312 with arginine.
Molecular consequence: missense variant.
Genome position (GRCh38, 1-based): chr11:57,606,453, C>G. VCF-style: chr11-57606453-C-G. GRCh37 (hg19) VCF-style: chr11-57373926-C-G.
Other names: c.935C>G, p.Pro312Arg (NM_001032295.2); c.935C>G (NM_000062.2); short protein forms P312R.
Identifiers: ClinVar variation 1437455 (VCV001437455.7), dbSNP rs777831305, ClinGen allele CA6008165.
Genomic context (GRCh38, chr11:57,606,453, plus strand): 5'-ACCTCTTCCCTCTAGCCAAGTGGAAGACAACATTTGATCCCAAGAAAACCAGAATGGAAC[C>G]CTTTCACTTCAAAAACTCAGTTATAAAAGTGCCCATGATGAATAGCAAGAAGTACCCTGT-3'
Protein context (NP_000053.2, residues 302-322): TFDPKKTRME[Pro312Arg]FHFKNSVIKV

ClinVar aggregate classification (germline): Conflicting classifications of pathogenicity. Review status: criteria provided, conflicting classifications (1 of 4 stars). 2 submissions from 2 submitters: Uncertain significance (1); Likely benign (1). Last evaluated 2026-05-21.

Conditions:
SERPING1-related disorder. Also called: SERPING1-related condition.

gnomAD v4.1: 33 of 1,614,008 alleles (0.002%); highest among the groups gnomAD compares: Admixed American, 0.03%; no homozygotes.

Submissions (2):

PreventionGenetics, part of Exact Sciences
Classification: Uncertain significance for SERPING1-related condition. Last evaluated: 2026-05-21. Review status: criteria provided, single submitter. Criteria: ACMG Guidelines, 2015. Collection method: clinical testing. Allele origin: germline.
Comment: The SERPING1 c.935C>G variant is predicted to result in the amino acid substitution p.Pro312Arg. To our knowledge, this variant has not been reported in the literature. This variant is reported in 0.0085% of alleles in individuals of Latino descent in gnomAD. At this time, the clinical significance of this variant is uncertain due to the absence of conclusive functional and genetic evidence.

Labcorp Genetics (formerly Invitae), Labcorp
Classification: Likely benign. Last evaluated: 2025-08-29. Review status: criteria provided, single submitter. Criteria: Invitae Variant Classification Sherloc (09022015). Collection method: clinical testing. Allele origin: germline.